The following is an entry in ClinVar:

ClinVar aggregate classification (germline): Benign (0 of 4 stars; one submission).

Conditions:
NLRP5-related disorder. Also called: NLRP5-related condition.

Allele frequency attached by ClinVar (database versions not stated): 1000 Genomes Project 0.09265; 1000 Genomes Project 30x 0.09088; ESP Exome Variant Server 0.15300.
gnomAD v4.1: 295,093 of 1,613,648 alleles (18%); highest among the groups gnomAD compares: Middle Eastern, 22%; 29,485 homozygotes.

Submission:

PreventionGenetics, part of Exact Sciences
Classification: Benign for NLRP5-related condition. Last evaluated: 2024-03-06. Review status: no assertion criteria provided. Collection method: clinical testing. Allele origin: germline.
Comment: This variant is classified as benign based on ACMG/AMP sequence variant interpretation guidelines (Richards et al. 2015 PMID: 25741868, with internal and published modifications).

NM_001433705.1(NLRP5):c.3099G>A (p.Ala1033=)

Gene: NLRP5 (NLR family pyrin domain containing 5; plus strand). Cytogenetic location: 19q13.43.
Variant type: single nucleotide variant.
Coding change: c.3099G>A on transcript NM_001433705.1 (MANE Select); coding-DNA position 3099, G replaced by A.
Protein change: p.Ala1033=; no amino-acid change (alanine 1033 retained).
Molecular consequence: synonymous variant.
Genome position (GRCh38, 1-based): chr19:56,053,761, G>A. VCF-style: chr19-56053761-G-A. GRCh37 (hg19) VCF-style: chr19-56565127-G-A.
Other names: NM_153447.4:c.3252G>A.
Identifiers: ClinVar variation 3058842 (VCV003058842.2), dbSNP rs392801, ClinGen allele CA9686192.
Genomic context (GRCh38, chr19:56,053,761, plus strand): 5'-CAGACACCTGAAGAGCCTGGATCTCACGGACAATGCCCTGGGTGACGGTGGGGTTGCTGC[G>A]CTGTGCGAGGGACTGAAGCAAAAGAACAGTGTTCTGGCGAGACTCGGGTAACTTCCTGGG-3'
Protein context (NP_001420634.1, residues 1023-1043): DNALGDGGVA[Ala1033=]LCEGLKQKNS